The following is an entry in ClinVar:

NM_001005242.3(PKP2):c.1288A>G (p.Lys430Glu)

Gene: PKP2 (plakophilin 2; minus strand). Cytogenetic location: 12p11.21.
Variant type: single nucleotide variant.
Coding change: c.1288A>G on transcript NM_001005242.3 (MANE Select); coding-DNA position 1288, A replaced by G.
Protein change: p.Lys430Glu; replaces lysine 430 with glutamic acid.
Molecular consequence: missense variant.
Genome position (GRCh38, 1-based): chr12:32,850,856, T>C on the plus strand (A>G on the coding strand, the complement: PKP2 is on the minus strand). VCF-style: chr12-32850856-T-C. GRCh37 (hg19) VCF-style: chr12-33003790-T-C.
Other names: c.1288A>G, p.Lys430Glu (NM_001407155.1, NM_001407156.1, NM_001407157.1 and 2 more transcripts); c.961A>G, p.Lys321Glu (NM_001407158.1, NM_001407159.1, NM_001407160.1 and 1 more transcripts); short protein forms K321E, K430E.
Identifiers: ClinVar variation 3075407 (VCV003075407.1), dbSNP rs796384834, ClinGen allele CA235255327.
Genomic context (GRCh38, chr12:32,850,856, plus strand): 5'-TGGTTTGCTTCAGCACCTGGAGCAGCCGAGGTACCCCATTTAGTTCAGCCACCTCCAATT[T>C]GTTGTCATTGTCTTCAAATACTAAGTTTCTCAAGGCCCCACACACAGCTCGCTGAACGTC-3'
Protein context (NP_001005242.2, residues 420-440): RNLVFEDNDN[Lys430Glu]LEVAELNGVP

ClinVar aggregate classification (germline): Uncertain significance (1 of 4 stars; one submission).

Conditions:
Arrhythmogenic right ventricular cardiomyopathy (ARVD). Also called: Arrhythmogenic right ventricular dysplasia; Cardiomyopathy, ARVC; Arrhythmogenic cardiomyopathy; Arrhythmogenic Right Ventricular Cardiomyopathy (ARVC). Identifiers: Orphanet 247, MedGen C0349788, MeSH D019571, MONDO:0016587. Disease mechanism: loss of function. Inheritance: Various modes of inheritance.

Allele frequency attached by ClinVar (database versions not stated): gnomAD exomes 0.00001.
gnomAD v4.1: 5 of 1,613,936 alleles (0.00031%); highest among the groups gnomAD compares: Non-Finnish European, 0.00042%; no homozygotes.

Submission:

All of Us Research Program, National Institutes of Health
Classification: Uncertain significance for Arrhythmogenic right ventricular cardiomyopathy. Last evaluated: 2024-02-05. Review status: criteria provided, single submitter. Criteria: ACMG Guidelines, 2015. Collection method: clinical testing. Allele origin: germline. Inheritance: Autosomal dominant inheritance. Observed: 1 variant allele, 1 heterozygote.
Comment: This missense variant replaces lysine with glutamic acid at codon 430 of the PKP2 protein. Computational prediction is inconclusive regarding the impact of this variant on protein structure and function (internally defined REVEL score threshold 0.5 < inconclusive < 0.7, PMID: 27666373). To our knowledge, functional studies have not been reported for this variant. This variant has not been reported in individuals affected with PKP2-related disorders in the literature. This variant has been identified in 1/251242 chromosomes in the general population by the Genome Aggregation Database (gnomAD). The available evidence is insufficient to determine the role of this variant in disease conclusively. Therefore, this variant is classified as a Variant of Uncertain Significance.

This study involves interpretation of variants in research participants for the purpose of population health screening. Participant phenotype was not available at the time of variant classification. Additional details can be found in publication PMID: 35346344, PMCID: PMC8962531